The following is an entry in ClinVar:

NM_006206.6(PDGFRA):c.196A>C (p.Ser66Arg)

Gene: PDGFRA (platelet derived growth factor receptor alpha; plus strand). Cytogenetic location: 4q12.
Variant type: single nucleotide variant.
Coding change: c.196A>C on transcript NM_006206.6 (MANE Select); coding-DNA position 196, A replaced by C.
Protein change: p.Ser66Arg; replaces serine 66 with arginine.
Molecular consequence: missense variant.
Genome position (GRCh38, 1-based): chr4:54,261,241, A>C. VCF-style: chr4-54261241-A-C. GRCh37 (hg19) VCF-style: chr4-55127408-A-C.
Other names: c.196A>C, p.Ser66Arg (NM_001347827.2, NM_001347829.2); c.271A>C, p.Ser91Arg (NM_001347828.2); c.235A>C, p.Ser79Arg (NM_001347830.2); short protein forms S79R, S66R, S91R.
Identifiers: ClinVar variation 1368159 (VCV001368159.8), dbSNP rs143783500, ClinGen allele CA2922242.

ClinVar aggregate classification (germline): Uncertain significance (1 of 4 stars; one submission).

Conditions:
Gastrointestinal stromal tumor. Also called: Gastrointestinal stroma tumor; Gastrointestinal stromal tumor, somatic. Identifiers: Orphanet 44890, MedGen C0238198, MeSH D046152, MONDO:0011719, OMIM 606764, HP:0100723.

Allele frequency attached by ClinVar (database versions not stated): gnomAD exomes below 0.00001; ExAC 0.00001; ESP Exome Variant Server 0.00008.
gnomAD v4.1: 1 of 1,614,136 alleles (0.000062%); highest among the groups gnomAD compares: Non-Finnish European, 0.000085%; no homozygotes.

Submission:

Labcorp Genetics (formerly Invitae), Labcorp
Classification: Uncertain significance for Gastrointestinal stromal tumor. Last evaluated: 2025-08-18. Review status: criteria provided, single submitter. Criteria: Invitae Variant Classification Sherloc (09022015). Collection method: clinical testing. Allele origin: germline.
Comment: This sequence change replaces serine, which is neutral and polar, with arginine, which is basic and polar, at codon 66 of the PDGFRA protein (p.Ser66Arg). This variant is not present in population databases (gnomAD no frequency). This variant has not been reported in the literature in individuals affected with PDGFRA-related conditions. ClinVar contains an entry for this variant (Variation ID: 1368159). Invitae Evidence Modeling of protein sequence and biophysical properties (such as structural, functional, and spatial information, amino acid conservation, physicochemical variation, residue mobility, and thermodynamic stability) indicates that this missense variant is not expected to disrupt PDGFRA protein function with a negative predictive value of 80%. In summary, the available evidence is currently insufficient to determine the role of this variant in disease. Therefore, it has been classified as a Variant of Uncertain Significance.